The following is an entry in ClinVar:

NM_001854.4(COL11A1):c.2808+14C>G

Gene: COL11A1 (collagen type XI alpha 1 chain; minus strand). Cytogenetic location: 1p21.1.
Variant type: single nucleotide variant.
Coding change: c.2808+14C>G on transcript NM_001854.4 (MANE Select); 14 bases into the intron after coding-DNA position 2808, C replaced by G.
Molecular consequence: intron variant.
Genome position (GRCh38, 1-based): chr1:102,974,816, G>C on the plus strand (C>G on the coding strand, the complement: COL11A1 is on the minus strand). VCF-style: chr1-102974816-G-C. GRCh37 (hg19) VCF-style: chr1-103440372-G-C.
Other names: c.2691+14C>G (NM_001190709.2); c.2844+14C>G (NM_080629.3); c.2460+14C>G (NM_080630.4).
Identifiers: ClinVar variation 512382 (VCV000512382.8), dbSNP rs1015791965, ClinGen allele CA27701951.

ClinVar aggregate classification (germline): Likely benign. Review status: criteria provided, multiple submitters, no conflicts (2 of 4 stars). 2 submissions from 2 submitters: Likely benign (2). Last evaluated 2023-12-23.

Allele frequency attached by ClinVar (database versions not stated): gnomAD exomes below 0.00001; gnomAD 0.00001; TOPMed 0.00001.
gnomAD v4.1: 7 of 1,604,534 alleles (0.00044%); highest among the groups gnomAD compares: Non-Finnish European, 0.0006%; no homozygotes.

Submissions (2):

Labcorp Genetics (formerly Invitae), Labcorp
Classification: Likely benign. Last evaluated: 2023-12-23. Review status: criteria provided, single submitter. Criteria: Invitae Variant Classification Sherloc (09022015). Collection method: clinical testing. Allele origin: germline.

GeneDx
Classification: Likely benign. Last evaluated: 2017-09-26. Review status: criteria provided, single submitter. Criteria: GeneDx Variant Classification (06012015). Collection method: clinical testing. Allele origin: germline. Affected: yes.
Comment: This variant is considered likely benign or benign based on one or more of the following criteria: it is a conservative change, it occurs at a poorly conserved position in the protein, it is predicted to be benign by multiple in silico algorithms, and/or has population frequency not consistent with disease.